The following is an entry in ClinVar:

NM_006269.2(RP1):c.5805dup (p.Ala1936fs)

Genes: RP1 (RP1 axonemal microtubule associated; plus strand), LOC126860392 (CDK7 strongly-dependent group 2 enhancer GRCh37_chr8:55541319-55542518; plus strand). Cytogenetic location: 8q12.1.
Variant type: Duplication.
Coding change: c.5805dup on transcript NM_006269.2 (MANE Select); coding-DNA position 5805, one base duplicated (T; older notation c.5805dupT).
Protein change: p.Ala1936fs; shifts the reading frame from alanine 1936.
Molecular consequence: frameshift variant. On other transcripts: intron variant (1).
Genome position (GRCh38, 1-based): chr8:54,629,687, T duplicated; the last of 3 consecutive T bases (chr8:54,629,685-54,629,687); duplicating any one gives the same sequence. VCF-style (leftmost placement, unchanged base first): chr8-54629684-A-AT. GRCh37 (hg19) VCF-style: chr8-55542244-A-AT.
Other names: p.Ala1936Cysfs*7; c.787+7399dup (NM_001375654.1); c.5805dupT (NM_006269.2); short protein forms A1936fs.
Identifiers: ClinVar variation 1073374 (VCV001073374.12), dbSNP rs868005849, ClinGen allele CA177184105.
Genomic context (GRCh38, chr8:54,629,684, plus strand): 5'-TGGTCAACATTGCCCAATACTAACTGTTATTATCCAACCCATGAATGAGGAAGACCGAGG[A>AT]TTTGCATATCGCAAAGAATCTGATATTGAAAATTTCTTGGGTTTTTATTTATGGATGAAA-3'

ClinVar aggregate classification (germline): Conflicting classifications of pathogenicity. Review status: criteria provided, conflicting classifications (1 of 4 stars). 4 submissions from 4 submitters: Pathogenic (1); Likely pathogenic (2); Uncertain significance (1). Last evaluated 2026-10-19.

Conditions:
Retinal dystrophy. Also called: Inherited retinal dystrophy. Identifiers: Orphanet 71862, MedGen C0854723, MeSH D058499, MONDO:0019118, HP:0000556.
RP1-related recessive retinopathy. Identifiers: MedGen CN322605, MONDO:0800399.
Retinitis pigmentosa 1 (RP1). Identifiers: Orphanet 791, MedGen C0220701, MONDO:0008377, OMIM 180100.

Submissions (4):

Department of Ophthalmology, Seoul National University Bundang Hospital
Classification: Likely pathogenic for RP1-related recessive retinopathy. Last evaluated: 2026-10-19. Review status: criteria provided, single submitter. Criteria: ACMG Guidelines, 2015. Collection method: clinical testing. Allele origin: germline. Inheritance: Autosomal recessive inheritance. Affected: yes.
Comment: Frameshift variant in exon 4. Identified in a Korean multicenter RP1 cohort (PMID:42847597) with recessive cone-rod dystrophy and retinitis pigmentosa. ACMG/AMP criteria: PVS1, PM2. Previously reported by Nishiguchi et al., 2020 (PMID:32193659).

Dept Of Ophthalmology, Nagoya University
Classification: Uncertain significance for Retinal dystrophy. Last evaluated: 2023-10-01. Review status: criteria provided, single submitter. Criteria: Submitter's publication. Collection method: research. Allele origin: germline. Affected: yes.

3billion
Classification: Likely pathogenic for Retinitis pigmentosa 1. Last evaluated: 2023-09-15. Review status: criteria provided, single submitter. Criteria: ACMG Guidelines, 2015. Collection method: clinical testing. Allele origin: germline. Affected: yes.
Comment: The variant is observed at an extremely low frequency in the gnomAD v2.1.1 dataset (total allele frequency: 0.000%). Predicted Consequence/Location: Frameshift: predicted to result in a loss or disruption of normal protein function through protein truncation. The predicted truncated protein may be shortened by more than 10%. The variant has been reported to be associated with RP1-related disorder (ClinVar ID: VCV001073374 /PMID: 32193659). Therefore, this variant is classified as Likely pathogenic according to the recommendation of ACMG/AMP guideline.

Labcorp Genetics (formerly Invitae), Labcorp
Classification: Pathogenic. Last evaluated: 2020-04-29. Review status: criteria provided, single submitter. Criteria: Invitae Variant Classification Sherloc (09022015). Collection method: clinical testing. Allele origin: germline.
Comment: This sequence change results in a premature translational stop signal in the RP1 gene (p.Ala1936Cysfs*7). While this is not anticipated to result in nonsense mediated decay, it is expected to disrupt the last 221 amino acids of the RP1 protein. This variant is not present in population databases (ExAC no frequency). This variant has been observed in individual(s) with RP1-related conditions (Invitae). In at least one individual the data is consistent with the variant being in trans (on the opposite chromosome) from a pathogenic variant. This variant disrupts the C-terminus of the RP1 protein. Many variants that disrupt this region have been reported in individuals with either autosomal dominant or autosomal recessive retinitis pigmentosa (PMID: 11527933, 19933189, 29425069, 30027431). This suggests that variants that disrupt this region of the protein are likely to be causative of disease. For these reasons, this variant has been classified as Pathogenic.

Literature cited by the submitters: PubMed 42847597 (cited by Department of Ophthalmology, Seoul National University Bundang Hospital); PubMed 32193659 (cited by Department of Ophthalmology, Seoul National University Bundang Hospital and 3billion); PubMed 11527933 (cited by Labcorp Genetics (formerly Invitae), Labcorp); PubMed 19933189 (cited by Labcorp Genetics (formerly Invitae), Labcorp); PubMed 29425069 (cited by Labcorp Genetics (formerly Invitae), Labcorp); PubMed 30027431 (cited by Labcorp Genetics (formerly Invitae), Labcorp).